The following is an entry in ClinVar:

NM_001005242.3(PKP2):c.628A>G (p.Arg210Gly)

Gene: PKP2 (plakophilin 2; minus strand). Cytogenetic location: 12p11.21.
Variant type: single nucleotide variant.
Coding change: c.628A>G on transcript NM_001005242.3 (MANE Select); coding-DNA position 628, A replaced by G.
Protein change: p.Arg210Gly; replaces arginine 210 with glycine.
Molecular consequence: missense variant.
Genome position (GRCh38, 1-based): chr12:32,878,252, T>C on the plus strand (A>G on the coding strand, the complement: PKP2 is on the minus strand). VCF-style: chr12-32878252-T-C. GRCh37 (hg19) VCF-style: chr12-33031186-T-C.
Other names: c.628A>G, p.Arg210Gly (NM_001407155.1, NM_001407156.1, NM_001407157.1 and 2 more transcripts); c.301A>G, p.Arg101Gly (NM_001407158.1, NM_001407159.1, NM_001407160.1 and 1 more transcripts); short protein forms R101G, R210G.
Identifiers: ClinVar variation 5009652 (VCV005009652.1).

ClinVar aggregate classification (germline): Uncertain significance (1 of 4 stars; one submission).

Submission:

GeneDx
Classification: Uncertain significance. Last evaluated: 2026-02-23. Review status: criteria provided, single submitter. Criteria: GeneDx Variant Classification Process June 2021. Collection method: clinical testing. Allele origin: germline.
Comment: Not observed at significant frequency in large population cohorts (gnomAD); In silico analysis suggests that this missense variant does not alter protein structure/function; Has not been previously published as pathogenic or benign to our knowledge